The following is an entry in ClinVar:

NC_000011.10:g.47342575C>G

Gene: MYBPC3 (myosin binding protein C3; minus strand). Cytogenetic location: 11p11.2.
Variant type: single nucleotide variant.
Genome position: GRCh38 VCF-style: chr11-47342575-C-G. GRCh37 (hg19) VCF-style: chr11-47364126-C-G.
Other names: c.1624+3G>C (LRG_386t1, NM_000256.3).
Identifiers: ClinVar variation 181119 (VCV000181119.9), dbSNP rs730880690, ClinGen allele CA010769.

ClinVar aggregate classification (germline): Conflicting classifications of pathogenicity. Review status: criteria provided, conflicting classifications (1 of 4 stars). 2 submissions from 2 submitters: Likely pathogenic (1); Uncertain significance (1). Last evaluated 2019-04-20.

Conditions:
Hypertrophic cardiomyopathy. Also called: HYPERTROPHIC MYOCARDIOPATHY. Identifiers: Orphanet 217569, MedGen C0007194, MeSH D002312, MONDO:0005045, HP:0001639.

Submissions (2):

Labcorp Genetics (formerly Invitae), Labcorp
Classification: Uncertain significance for Hypertrophic cardiomyopathy. Last evaluated: 2019-04-20. Review status: criteria provided, single submitter. Criteria: Invitae Variant Classification Sherloc (09022015). Collection method: clinical testing. Allele origin: germline.
Comment: In summary, the available evidence is currently insufficient to determine the role of this variant in disease. Therefore, it has been classified as a Variant of Uncertain Significance. Nucleotide substitutions within the consensus splice site are a relatively common cause of aberrant splicing (PMID: 17576681, 9536098). Algorithms developed to predict the effect of sequence changes on RNA splicing suggest that this variant may disrupt the consensus splice site, but this prediction has not been confirmed by published transcriptional studies. This sequence change falls in intron 17 of the MYBPC3 gene. It does not directly change the encoded amino acid sequence of the MYBPC3 protein, but it affects a nucleotide within the consensus splice site of the intron. This variant is not present in population databases (ExAC no frequency). This variant has not been reported in the literature in individuals with MYBPC3-related conditions. ClinVar contains an entry for this variant (Variation ID: 181119).

GeneDx
Classification: Likely pathogenic. Last evaluated: 2011-11-15. Review status: criteria provided, single submitter. Criteria: GeneDx Variant Classification (06012015). Collection method: clinical testing. Allele origin: germline. Affected: yes.
Comment: This variant is denoted IVS17+3 G>C or c.1624+3 G>C. The c.1624+3 G>C (IVS17+3 G>C) splicing variant in the MYBPC3 gene has not been reported previously as a disease-causing mutation or as a benign polymorphism, to our knowledge. Three in silico splice analysis programs predict c.1624+3 G>C destroys or damages the natural donor site of intron 17, which is expected to cause abnormal gene splicing. This may lead to either an abnormal message, which is subject to nonsense-mediated mRNA decay, or to an abnormal protein product if the message is used for protein translation. Other splice site mutations in the MYBPC3 gene have been reported in association with LQTS. The variant is found in DCM panel(s).

Literature cited by the submitters: PubMed 17576681 (cited by Labcorp Genetics (formerly Invitae), Labcorp); PubMed 9536098 (cited by Labcorp Genetics (formerly Invitae), Labcorp).